The following is an entry in ClinVar:

ClinVar aggregate classification (germline): Uncertain significance. Review status: criteria provided, multiple submitters, no conflicts (2 of 4 stars). 2 submissions from 2 submitters: Uncertain significance (2). Last evaluated 2025-08-09.

Conditions:
Hereditary cancer-predisposing syndrome. Also called: Tumor predisposition; Neoplastic Syndromes, Hereditary; Hereditary neoplastic syndrome; Hereditary Cancer Syndrome. Identifiers: Orphanet 140162, MedGen C0027672, MeSH D009386, MONDO:0015356.
Familial cancer of breast. Also called: Hereditary breast cancer; hereditary breast carcinoma; BREAST CANCER, FAMILIAL. Identifiers: Orphanet 227535, MedGen C0346153, MONDO:0016419, OMIM 114480. Disease mechanism: loss of function.

Submissions (2):

Ambry Genetics
Classification: Uncertain significance for Hereditary cancer-predisposing syndrome. Last evaluated: 2025-08-09. Review status: criteria provided, single submitter. Criteria: Ambry Variant Classification Scheme 2023. Collection method: clinical testing. Allele origin: germline.
Comment: The p.C396R variant (also known as c.1186T>C), located in coding exon 4 of the PALB2 gene, results from a T to C substitution at nucleotide position 1186. The cysteine at codon 396 is replaced by arginine, an amino acid with highly dissimilar properties. This amino acid position is conserved. In addition, the in silico prediction for this alteration is inconclusive. Based on the available evidence, the clinical significance of this variant remains unclear.

Labcorp Genetics (formerly Invitae), Labcorp
Classification: Uncertain significance for Familial cancer of breast. Last evaluated: 2021-06-06. Review status: criteria provided, single submitter. Criteria: Invitae Variant Classification Sherloc (09022015). Collection method: clinical testing. Allele origin: germline.
Comment: This variant is not present in population databases (ExAC no frequency). This variant has not been reported in the literature in individuals with PALB2-related conditions. Algorithms developed to predict the effect of missense changes on protein structure and function (SIFT, PolyPhen-2, Align-GVGD) all suggest that this variant is likely to be disruptive, but these predictions have not been confirmed by published functional studies and their clinical significance is uncertain. In summary, the available evidence is currently insufficient to determine the role of this variant in disease. Therefore, it has been classified as a Variant of Uncertain Significance. This sequence change replaces cysteine with arginine at codon 396 of the PALB2 protein (p.Cys396Arg). The cysteine residue is highly conserved and there is a large physicochemical difference between cysteine and arginine.

NM_024675.4(PALB2):c.1186T>C (p.Cys396Arg)

Gene: PALB2 (partner and localizer of BRCA2; minus strand). Cytogenetic location: 16p12.2.
Variant type: single nucleotide variant.
Coding change: c.1186T>C on transcript NM_024675.4 (MANE Select); coding-DNA position 1186, T replaced by C.
Protein change: p.Cys396Arg; replaces cysteine 396 with arginine.
Molecular consequence: missense variant.
Genome position (GRCh38, 1-based): chr16:23,635,360, A>G on the plus strand (T>C on the coding strand, the complement: PALB2 is on the minus strand). VCF-style: chr16-23635360-A-G. GRCh37 (hg19) VCF-style: chr16-23646681-A-G.
Other names: c.1186T>C (NM_024675.3); short protein forms C396R.
Identifiers: ClinVar variation 1513854 (VCV001513854.10), dbSNP rs2142423404, ClinGen allele CA395133319.